The following is an entry in ClinVar:

NM_018671.5(UNC45A):c.519+3A>G

Gene: UNC45A (unc-45 myosin chaperone A; plus strand). Cytogenetic location: 15q26.1.
Variant type: single nucleotide variant.
Coding change: c.519+3A>G on transcript NM_018671.5 (MANE Select); 3 bases into the intron after coding-DNA position 519, A replaced by G.
Molecular consequence: intron variant.
Genome position (GRCh38, 1-based): chr15:90,939,826, A>G. VCF-style: chr15-90939826-A-G. GRCh37 (hg19) VCF-style: chr15-91483056-A-G.
Other names: c.474+3A>G (NM_001039675.2, NM_001323621.2); c.519+3A>G (NM_001323619.1); c.84+3A>G (NM_001323620.2).
Identifiers: ClinVar variation 1910324 (VCV001910324.5), dbSNP rs1214614898, ClinGen allele CA619585925.

ClinVar aggregate classification (germline): Uncertain significance (1 of 4 stars; one submission).

Allele frequency attached by ClinVar (database versions not stated): gnomAD exomes 0.00001; gnomAD 0.00002; TOPMed 0.00003.
gnomAD v4.1: 12 of 1,613,674 alleles (0.00074%); highest among the groups gnomAD compares: Admixed American, 0.0017%; no homozygotes.

Submission:

Labcorp Genetics (formerly Invitae), Labcorp
Classification: Uncertain significance. Last evaluated: 2024-11-05. Review status: criteria provided, single submitter. Criteria: Invitae Variant Classification Sherloc (09022015). Collection method: clinical testing. Allele origin: germline.
Comment: This sequence change falls in intron 5 of the UNC45A gene. It does not directly change the encoded amino acid sequence of the UNC45A protein. It affects a nucleotide within the consensus splice site. The frequency data for this variant in the population databases is considered unreliable, as metrics indicate poor data quality at this position in the gnomAD database. This variant has not been reported in the literature in individuals affected with UNC45A-related conditions. ClinVar contains an entry for this variant (Variation ID: 1910324). Variants that disrupt the consensus splice site are a relatively common cause of aberrant splicing (PMID: 17576681, 9536098). Algorithms developed to predict the effect of sequence changes on RNA splicing suggest that this variant may disrupt the consensus splice site. In summary, the available evidence is currently insufficient to determine the role of this variant in disease. Therefore, it has been classified as a Variant of Uncertain Significance.

Literature cited by the submitters: PubMed 17576681; PubMed 9536098.